The following is an entry in ClinVar:

ClinVar aggregate classification (germline): Conflicting classifications of pathogenicity. Review status: criteria provided, conflicting classifications (1 of 4 stars). 2 submissions from 2 submitters: Uncertain significance (1); Likely benign (1). Last evaluated 2025-06-18.

Conditions:
Inborn genetic diseases. Identifiers: MedGen C0950123, MeSH D030342.
Intellectual developmental disorder, autosomal dominant 1. Also called: Intellectual disability, autosomal dominant 1; MBD5 Haploinsufficiency. Identifiers: Orphanet 228402, MedGen C1969562, MONDO:0007974, OMIM 156200.

Allele frequency attached by ClinVar (database versions not stated): gnomAD 0.00001; gnomAD exomes 0.00003 and below 0.00001; TOPMed 0.00003; ExAC 0.00004.
gnomAD v4.1: 4 of 1,614,050 alleles (0.00025%); highest among the groups gnomAD compares: East Asian, 0.0067%; no homozygotes.

Submissions (2):

Ambry Genetics
Classification: Likely benign for Inborn genetic diseases. Last evaluated: 2025-06-18. Review status: criteria provided, single submitter. Criteria: Ambry Variant Classification Scheme 2023. Collection method: clinical testing. Allele origin: germline.

Labcorp Genetics (formerly Invitae), Labcorp
Classification: Uncertain significance for Intellectual developmental disorder, autosomal dominant 1. Last evaluated: 2023-11-07. Review status: criteria provided, single submitter. Criteria: Invitae Variant Classification Sherloc (09022015). Collection method: clinical testing. Allele origin: germline.
Comment: This sequence change replaces serine, which is neutral and polar, with asparagine, which is neutral and polar, at codon 1344 of the MBD5 protein (p.Ser1344Asn). This variant is present in population databases (rs755214586, gnomAD 0.03%). This variant has not been reported in the literature in individuals affected with MBD5-related conditions. ClinVar contains an entry for this variant (Variation ID: 937377). Algorithms developed to predict the effect of missense changes on protein structure and function output the following: SIFT: "Not Available"; PolyPhen-2: "Not Available"; Align-GVGD: "Not Available". The asparagine amino acid residue is found in multiple mammalian species, which suggests that this missense change does not adversely affect protein function. In summary, the available evidence is currently insufficient to determine the role of this variant in disease. Therefore, it has been classified as a Variant of Uncertain Significance.

NM_001378120.1(MBD5):c.4730G>A (p.Ser1577Asn)

Gene: MBD5 (methyl-CpG binding domain protein 5; plus strand). Cytogenetic location: 2q23.1.
Variant type: single nucleotide variant.
Coding change: c.4730G>A on transcript NM_001378120.1 (MANE Select); coding-DNA position 4730, G replaced by A.
Protein change: p.Ser1577Asn; replaces serine 1577 with asparagine.
Molecular consequence: missense variant.
Genome position (GRCh38, 1-based): chr2:148,490,362, G>A. VCF-style: chr2-148490362-G-A. GRCh37 (hg19) VCF-style: chr2-149247931-G-A.
Other names: c.4031G>A, p.Ser1344Asn (NM_018328.5); short protein forms S1344N, S1577N.
Identifiers: ClinVar variation 937377 (VCV000937377.11), dbSNP rs755214586, ClinGen allele CA1900459.
Genomic context (GRCh38, chr2:148,490,362, plus strand): 5'-GTTTGGAAAATTCTCTGGTCAAAGACTACATCCATTACAATGGAGACTTTAATGCCAAAA[G>A]CGTTAATGGGTGTGTGCCTAGCCCTTCAGATGCTAAAAGCATTAGTAGTGAAGATGACCT-3'
Protein context (NP_001365049.1, residues 1567-1587): IHYNGDFNAK[Ser1577Asn]VNGCVPSPSD